The following is an entry in ClinVar:

ClinVar aggregate classification (germline): Benign. Review status: criteria provided, multiple submitters, no conflicts (2 of 4 stars). 8 submissions from 8 submitters: Benign (5). 3 of the submissions do not count toward it. Last evaluated 2026-02-02.

Conditions:
Epidermolysis bullosa simplex 5C, with pyloric atresia (EBS5C). Also called: PLEC-Related Epidermolysis Bullosa with Pyloric Atresia; Epidermolysis bullosa simplex with pyloric atresia; PLEC1-Related Epidermolysis Bullosa with Pyloric Atresia. Identifiers: Orphanet 158684, MedGen C2677349, MONDO:0012807, OMIM 612138.
Autosomal recessive limb-girdle muscular dystrophy type 2Q (LGMDR17). Also called: MUSCULAR DYSTROPHY, LIMB-GIRDLE, AUTOSOMAL RECESSIVE 17. Identifiers: Orphanet 254361, MedGen C3150989, MONDO:0013390, OMIM 613723.
Epidermolysis bullosa simplex with nail dystrophy (EBS5D). Identifiers: MedGen C4225309, MONDO:0014661, OMIM 616487.
Epidermolysis bullosa simplex 5B, with muscular dystrophy (EBS5B). Also called: Epidermolysis bullosa simplex with muscular dystrophy; EPIDERMOLYSIS BULLOSA SIMPLEX AND LIMB-GIRDLE MUSCULAR DYSTROPHY. Identifiers: Orphanet 257, MedGen C2931072, MONDO:0009181, OMIM 226670.
Epidermolysis bullosa simplex, Ogna type (EBS5A). Also called: Pidermolysis bullosa simplex 5A, Ogna type; EPIDERMOLYSIS BULLOSA SIMPLEX 5A, OGNA TYPE. Identifiers: Orphanet 79401, MedGen C0432317, MONDO:0007555, OMIM 131950.

Allele frequency attached by ClinVar (database versions not stated): gnomAD exomes 0.00530 and 0.01385; ExAC 0.01707; gnomAD 0.05489 and 0.05909; 1000 Genomes Project 0.05531; 1000 Genomes Project 30x 0.05887; ESP Exome Variant Server 0.05909; TOPMed 0.06244.
gnomAD v4.1: 16,433 of 1,612,930 alleles (1%); highest among the groups gnomAD compares: African/African-American, 19%; 1,468 homozygotes.

Submissions (8):

Labcorp Genetics (formerly Invitae), Labcorp
Classification: Benign for Autosomal recessive limb-girdle muscular dystrophy type 2Q; Epidermolysis bullosa simplex, Ogna type; Epidermolysis bullosa simplex with nail dystrophy; Epidermolysis bullosa simplex 5C, with pyloric atresia; Epidermolysis bullosa simplex 5B, with muscular dystrophy. Last evaluated: 2026-02-02. Review status: criteria provided, single submitter. Criteria: Invitae Variant Classification Sherloc (09022015). Collection method: clinical testing. Allele origin: germline.

Mayo Clinic Laboratories, Mayo Clinic
Classification: Benign. Last evaluated: 2018-07-12. Review status: criteria provided, single submitter. Criteria: ACMG Guidelines, 2015. Collection method: clinical testing. Allele origin: germline. Observed: 47 variant alleles.

GeneDx
Classification: Benign. Last evaluated: 2016-03-25. Review status: criteria provided, single submitter. Criteria: GeneDx Variant Classification (06012015). Collection method: clinical testing. Allele origin: germline. Affected: yes.
Comment: This variant is considered likely benign or benign based on one or more of the following criteria: it is a conservative change, it occurs at a poorly conserved position in the protein, it is predicted to be benign by multiple in silico algorithms, and/or has population frequency not consistent with disease.

Laboratory for Molecular Medicine, Mass General Brigham Personalized Medicine
Classification: Benign. Last evaluated: 2015-01-13. Review status: criteria provided, single submitter. Criteria: LMM Criteria. Collection method: clinical testing. Allele origin: germline. Observed: 1 variant allele.
Comment: p.Ala2910Ala in exon 32 of PLEC: This variant is not expected to have clinical s ignificance because it does not alter an amino acid residue and is not located w ithin the splice consensus sequence. It has been identified in 17.8% (730/4102) of African American chromosomes from a broad population by the NHLBI Exome Seque ncing Project (dbSNP rs34534853).

Breakthrough Genomics
Classification: Benign. Review status: criteria provided, single submitter. Criteria: ACMG Guidelines, 2015. Collection method: not provided. Allele origin: germline. Inheritance: Autosomal recessive inheritance. Affected: yes.

Clinical Genetics, Academic Medical Center
Classification: Benign. Review status: no assertion criteria provided. Collection method: clinical testing. Allele origin: germline. Affected: yes. Study: VKGL Data-share Consensus. Not counted in ClinVar's aggregate classification.

Genetic Services Laboratory, University of Chicago
Classification: Likely benign for AllHighlyPenetrant. Review status: no assertion criteria provided. Collection method: clinical testing. Allele origin: germline. Inheritance: Autosomal recessive inheritance. Not counted in ClinVar's aggregate classification.
Comment: Likely benign based on allele frequency in 1000 Genomes Project or ESP global frequency and its presence in a patient with a rare or unrelated disease phenotype. NOT Sanger confirmed.

Laboratory of Diagnostic Genome Analysis, Leiden University Medical Center (LUMC)
Classification: Likely benign. Review status: no assertion criteria provided. Collection method: clinical testing. Allele origin: germline. Affected: yes. Study: VKGL Data-share Consensus. Not counted in ClinVar's aggregate classification.

NM_201384.3(PLEC):c.8319C>T (p.Ala2773=)

Gene: PLEC (plectin; minus strand). Cytogenetic location: 8q24.3.
Variant type: single nucleotide variant.
Coding change: c.8319C>T on transcript NM_201384.3 (MANE Select); coding-DNA position 8319, C replaced by T.
Protein change: p.Ala2773=; no amino-acid change (alanine 2773 retained).
Molecular consequence: synonymous variant.
Genome position (GRCh38, 1-based): chr8:143,921,502, G>A on the plus strand (C>T on the coding strand, the complement: PLEC is on the minus strand). VCF-style: chr8-143921502-G-A. GRCh37 (hg19) VCF-style: chr8-144995670-G-A.
Other names: p.Ala2759=; c.8400C>T, p.Ala2800= (NM_000445.5); c.8277C>T, p.Ala2759= (NM_201378.4); c.8253C>T, p.Ala2751= (NM_201379.3); c.8730C>T, p.Ala2910= (NM_201380.4); c.8223C>T, p.Ala2741= (NM_201381.3); c.8319C>T, p.Ala2773= (NM_201382.4); c.8331C>T, p.Ala2777= (NM_201383.3).
Identifiers: ClinVar variation 129959 (VCV000129959.22), dbSNP rs34534853, ClinGen allele CA154645.